The following is an entry in ClinVar:

ClinVar aggregate classification (germline): Uncertain significance. Review status: criteria provided, multiple submitters, no conflicts (2 of 4 stars). 2 submissions from 2 submitters: Uncertain significance (2). Last evaluated 2024-02-20.

Conditions:
Neuropathy, hereditary sensory and autonomic, type 2A (HSAN2A). Also called: ACROOSTEOLYSIS, GIACCAI TYPE; ACROOSTEOLYSIS, NEUROGENIC; MORVAN DISEASE; NEUROPATHY, CONGENITAL SENSORY; NEUROPATHY, HEREDITARY SENSORY RADICULAR, AUTOSOMAL RECESSIVE; NEUROPATHY, HEREDITARY SENSORY, TYPE IIA. Identifiers: Orphanet 970, MedGen C2752089, MONDO:0024309, OMIM 201300.
Pseudohypoaldosteronism type 2C (PHA2C). Also called: Pseudohypoaldosteronism Type IIC. Identifiers: Orphanet 757, Orphanet 88940, MedGen C1840391, MONDO:0013778, OMIM 614492.

Allele frequency attached by ClinVar (database versions not stated): TOPMed below 0.00001; gnomAD exomes 0.00001.
gnomAD v4.1: 12 of 1,536,154 alleles (0.00078%); highest among the groups gnomAD compares: Non-Finnish European, 0.001%; no homozygotes.

Submissions (2):

Labcorp Genetics (formerly Invitae), Labcorp
Classification: Uncertain significance for Neuropathy, hereditary sensory and autonomic, type 2A; Pseudohypoaldosteronism type 2C. Last evaluated: 2024-02-20. Review status: criteria provided, single submitter. Criteria: Invitae Variant Classification Sherloc (09022015). Collection method: clinical testing. Allele origin: germline.
Comment: This sequence change replaces lysine, which is basic and polar, with threonine, which is neutral and polar, at codon 785 of the WNK1 protein (p.Lys785Thr). This variant is present in population databases (no rsID available, gnomAD 0.002%). This variant has not been reported in the literature in individuals affected with WNK1-related conditions. ClinVar contains an entry for this variant (Variation ID: 1411007). Advanced modeling of protein sequence and biophysical properties (such as structural, functional, and spatial information, amino acid conservation, physicochemical variation, residue mobility, and thermodynamic stability) performed at Invitae indicates that this missense variant is not expected to disrupt WNK1 protein function with a negative predictive value of 95%. In summary, the available evidence is currently insufficient to determine the role of this variant in disease. Therefore, it has been classified as a Variant of Uncertain Significance.

Fulgent Genetics
Classification: Uncertain significance for Neuropathy, hereditary sensory and autonomic, type 2A; Pseudohypoaldosteronism type 2C. Last evaluated: 2022-04-06. Review status: criteria provided, single submitter. Criteria: ACMG Guidelines, 2015. Collection method: clinical testing. Allele origin: unknown.

NM_213655.5(WNK1):c.2354A>C (p.Lys785Thr)

Gene: WNK1 (WNK lysine deficient protein kinase 1; plus strand). Cytogenetic location: 12p13.33.
Variant type: single nucleotide variant.
Coding change: c.2354A>C on transcript NM_213655.5 (MANE Plus Clinical); coding-DNA position 2354, A replaced by C.
Protein change: p.Lys785Thr; replaces lysine 785 with threonine.
Molecular consequence: missense variant. On other transcripts: intron variant (3).
Genome position (GRCh38, 1-based): chr12:865,324, A>C. VCF-style: chr12-865324-A-C. GRCh37 (hg19) VCF-style: chr12-974490-A-C.
Other names: c.2140-2542A>C (NM_001184985.2); c.2139+3054A>C (NM_018979.4, NM_014823.3); short protein forms K785T.
Identifiers: ClinVar variation 1411007 (VCV001411007.7), dbSNP rs1190765461, ClinGen allele CA383337869.